The following is an entry in ClinVar:

NM_018908.3(PCDHA5):c.2352+39087A>G

Genes: PCDHA1 (protocadherin alpha 1; plus strand), PCDHA10 (protocadherin alpha 10; plus strand), PCDHA2 (protocadherin alpha 2; plus strand), PCDHA3 (protocadherin alpha 3; plus strand), PCDHA4 (protocadherin alpha 4; plus strand) and 6 more. Cytogenetic location: 5q31.3.
Variant type: single nucleotide variant.
Coding change: c.2352+39087A>G on transcript NM_018908.3 (MANE Select); 39087 bases into the intron after coding-DNA position 2352, A replaced by G.
Molecular consequence: intron variant. On other transcripts: 3 prime UTR variant (1).
Genome position (GRCh38, 1-based): chr5:140,863,214, A>G. VCF-style: chr5-140863214-A-G. GRCh37 (hg19) VCF-style: chr5-140242799-A-G.
Other names: c.*4631A>G (NM_031859.3); c.2394+74530A>G (NM_018900.4); c.1602+75322A>G (NM_031411.3); c.2388+65862A>G (NM_018905.3); c.2394+59623A>G (NM_018906.3); c.2385+53642A>G (NM_018907.4); c.2394+32729A>G (NM_018909.4); c.1602+33521A>G (NM_031849.3); and 5 more.
Identifiers: ClinVar variation 2655787 (VCV002655787.24), dbSNP rs200732213, ClinGen allele CA3451598.
Genomic context (GRCh38, chr5:140,863,214, plus strand): 5'-CTGCGAGCTGGCGCTGACTGCCACCGTCACCGTGGTGGCGTCGCTGGCGGAGAGCAGCCA[A>G]GCGAGGAAGGTCCCATCGCGGGCTTTGGCGGGCGTCGAGGTCCGGGAGGCAGCGCTGGTG-3'

ClinVar aggregate classification (germline): Likely benign (1 of 4 stars; one submission).

Allele frequency attached by ClinVar (database versions not stated): 1000 Genomes Project 0.00220; TOPMed 0.00223; gnomAD exomes 0.00239; 1000 Genomes Project 30x 0.00265; ExAC 0.00288; gnomAD 0.00365.
gnomAD v4.1: 2,761 of 1,068,920 alleles (0.26%); highest among the groups gnomAD compares: Middle Eastern, 0.98%; 12 homozygotes.

Submission:

CeGaT Center for Human Genetics Tuebingen
Classification: Likely benign. Last evaluated: 2026-02-01. Review status: criteria provided, single submitter. Criteria: CeGaT Center For Human Genetics Tuebingen Variant Classification Criteria Version 2. Collection method: clinical testing. Allele origin: germline. Affected: yes. Observed: 3 variant alleles.
Comment: PCDHA2: BS2; PCDHA3: BS2; PCDHA5: BS2; PCDHA7: BS2; PCDHA8: BS2; PCDHA9: BS2